The following is an entry in ClinVar:

NM_000384.3(APOB):c.4163G>A (p.Arg1388His)

Gene: APOB (apolipoprotein B; minus strand). Cytogenetic location: 2p24.1.
Variant type: single nucleotide variant.
Coding change: c.4163G>A on transcript NM_000384.3 (MANE Select); coding-DNA position 4163, G replaced by A.
Protein change: p.Arg1388His; replaces arginine 1388 with histidine.
Molecular consequence: missense variant.
Genome position (GRCh38, 1-based): chr2:21,013,213, C>T on the plus strand (G>A on the coding strand, the complement: APOB is on the minus strand). VCF-style: chr2-21013213-C-T. GRCh37 (hg19) VCF-style: chr2-21236085-C-T.
Other names: short protein forms R1388H.
Identifiers: ClinVar variation 334146 (VCV000334146.34), dbSNP rs13306187, ClinGen allele CA060616.

ClinVar aggregate classification (germline): Conflicting classifications of pathogenicity. Review status: criteria provided, conflicting classifications (1 of 4 stars). 12 submissions from 11 submitters: Uncertain significance (1); Benign (5); Likely benign (4). 2 of the submissions do not count toward it. Last evaluated 2026-06-01.

Conditions:
Cardiovascular phenotype. Identifiers: MedGen CN230736.
Familial hypercholesterolemia. Also called: Familial hypercholesterolemias; Familial hypercholesterolaemia. Identifiers: MedGen C0020445, MONDO:0005439.
Hypercholesterolemia, autosomal dominant, type B (FHCL2). Also called: Hyperlipoproteinemia Type IIb; Familial hypercholesterolemia 2; APOB-Related Familial Hypercholesterolemia, Autosomal Dominant; HYPERCHOLESTEROLEMIA, FAMILIAL, DUE TO LIGAND-DEFECTIVE APOLIPOPROTEIN B; Familial Hypercholesterolemia Type B; APOLIPOPROTEIN B-100, FAMILIAL DEFECTIVE. Identifiers: MedGen C1704417, MONDO:0007751, OMIM 144010.
Familial hypobetalipoproteinemia 1. Also called: APOB-Related Familial Hypobetalipoproteinemia; Hypobetalipoproteinemia, normotriglyceridemic; Acanthocytosis with hypobetalipoproteinemia. Identifiers: MedGen C4551990, MONDO:0014252, OMIM 615558.

Allele frequency attached by ClinVar (database versions not stated): TOPMed 0.00118; gnomAD exomes 0.00191; ExAC 0.00193; 1000 Genomes Project 30x 0.00359; 1000 Genomes Project 0.00399; ESP Exome Variant Server 0.00038; gnomAD 0.00088 and 0.00106.
gnomAD v4.1: 949 of 1,614,120 alleles (0.059%); highest among the groups gnomAD compares: East Asian, 1.5%; 11 homozygotes.

Submissions (12):

CeGaT Center for Human Genetics Tuebingen
Classification: Likely benign. Last evaluated: 2026-06-01. Review status: criteria provided, single submitter. Criteria: CeGaT Center For Human Genetics Tuebingen Variant Classification Criteria Version 2. Collection method: clinical testing. Allele origin: germline. Affected: yes. Observed: 1 variant allele.
Comment: APOB: BP4, BS1

Labcorp Genetics (formerly Invitae), Labcorp
Classification: Benign for Familial hypobetalipoproteinemia 1; Hypercholesterolemia, autosomal dominant, type B. Last evaluated: 2026-01-27. Review status: criteria provided, single submitter. Criteria: Invitae Variant Classification Sherloc (09022015). Collection method: clinical testing. Allele origin: germline.

Blueprint Genetics
Classification: Likely benign. Last evaluated: 2024-11-26. Review status: criteria provided, single submitter. Criteria: ACMG Guidelines, 2015. Collection method: clinical testing. Allele origin: germline.

GENinCode PLC
Classification: Benign for Familial hypercholesterolemia. Last evaluated: 2024-01-16. Review status: criteria provided, single submitter. Criteria: ACMG Guidelines, 2015. Collection method: clinical testing. Allele origin: germline.

GeneDx
Classification: Benign. Last evaluated: 2019-12-19. Review status: criteria provided, single submitter. Criteria: GeneDx Variant Classification Process June 2021. Collection method: clinical testing. Allele origin: germline. Affected: yes.
Comment: This variant is associated with the following publications: (PMID: 30526649, 27153395, 23593297)

Molecular Diagnostic Laboratory for Inherited Cardiovascular Disease, Montreal Heart Institute
Classification: Likely benign. Last evaluated: 2019-09-17. Review status: criteria provided, single submitter. Criteria: ACMG Guidelines, 2015. Collection method: clinical testing. Allele origin: germline. Affected: yes.

Quest Diagnostics Nichols Institute San Juan Capistrano
Classification: Benign. Last evaluated: 2018-10-16. Review status: criteria provided, single submitter. Criteria: Quest Diagnostics criteria. Collection method: clinical testing. Allele origin: germline.

Illumina Laboratory Services, Illumina
Classification: Likely benign for Hypercholesterolemia, autosomal dominant, type B. Last evaluated: 2018-01-12. Review status: criteria provided, single submitter. Criteria: ICSL Variant Classification Criteria 13 December 2019. Collection method: clinical testing. Allele origin: germline.
Comment: This variant was observed in the ICSL laboratory as part of a predisposition screen in an ostensibly healthy population. It had not been previously curated by ICSL or reported in the Human Gene Mutation Database (HGMD: prior to June 1st, 2018), and was therefore a candidate for classification through an automated scoring system. Utilizing variant allele frequency, disease prevalence and penetrance estimates, and inheritance mode, an automated score was calculated to assess if this variant is too frequent to cause the disease. Based on the score and internal cut-off values, a variant classified as likely benign is not then subjected to further curation. The score for this variant resulted in a classification of likely benign for this disease.

Illumina Laboratory Services, Illumina
Classification: Uncertain significance for Familial hypobetalipoproteinemia 1. Last evaluated: 2018-01-12. Review status: criteria provided, single submitter. Criteria: ICSL Variant Classification Criteria 13 December 2019. Collection method: clinical testing. Allele origin: germline.

Ambry Genetics
Classification: Benign for Cardiovascular phenotype. Last evaluated: 2017-11-27. Review status: criteria provided, single submitter. Criteria: Ambry Variant Classification Scheme 2023. Collection method: clinical testing. Allele origin: germline.

Clinical Genetics DNA and cytogenetics Diagnostics Lab, Erasmus MC, Erasmus Medical Center
Classification: Benign. Review status: no assertion criteria provided. Collection method: clinical testing. Allele origin: germline. Affected: yes. Study: VKGL Data-share Consensus. Not counted in ClinVar's aggregate classification.

Clinical Genetics, Academic Medical Center
Classification: Benign. Review status: no assertion criteria provided. Collection method: clinical testing. Allele origin: germline. Affected: yes. Study: VKGL Data-share Consensus. Not counted in ClinVar's aggregate classification.

Literature cited by the submitters: PubMed 23593297 (cited by Quest Diagnostics Nichols Institute San Juan Capistrano); PubMed 27153395 (cited by Quest Diagnostics Nichols Institute San Juan Capistrano); PubMed 27654142 (cited by Quest Diagnostics Nichols Institute San Juan Capistrano).